The following is an entry in ClinVar:

NM_004273.5(CHST3):c.313C>G (p.Pro105Ala)

Gene: CHST3 (carbohydrate sulfotransferase 3; plus strand). Cytogenetic location: 10q22.1.
Variant type: single nucleotide variant.
Coding change: c.313C>G on transcript NM_004273.5 (MANE Select); coding-DNA position 313, C replaced by G.
Protein change: p.Pro105Ala; replaces proline 105 with alanine.
Molecular consequence: missense variant.
Genome position (GRCh38, 1-based): chr10:72,007,344, C>G. VCF-style: chr10-72007344-C-G. GRCh37 (hg19) VCF-style: chr10-73767102-C-G.
Other names: short protein forms P105A.
Identifiers: ClinVar variation 969495 (VCV000969495.7), dbSNP rs747226832, ClinGen allele CA209479028.

ClinVar aggregate classification (germline): Uncertain significance (1 of 4 stars; one submission).

Conditions:
Spondyloepiphyseal dysplasia with congenital joint dislocations (SEDCJD). Also called: Chondrodysplasia with Congenital Joint Dislocations, CHST3-Related. Identifiers: Orphanet 263463, MedGen C1837657, MONDO:0007738, OMIM 143095.

Allele frequency attached by ClinVar (database versions not stated): gnomAD 0.00001; TOPMed 0.00002.
gnomAD v4.1: 42 of 1,609,256 alleles (0.0026%); highest among the groups gnomAD compares: Non-Finnish European, 0.0033%; no homozygotes.

Submission:

Labcorp Genetics (formerly Invitae), Labcorp
Classification: Uncertain significance for Spondyloepiphyseal dysplasia with congenital joint dislocations. Last evaluated: 2022-02-24. Review status: criteria provided, single submitter. Criteria: Invitae Variant Classification Sherloc (09022015). Collection method: clinical testing. Allele origin: germline.
Comment: This sequence change replaces proline, which is neutral and non-polar, with alanine, which is neutral and non-polar, at codon 105 of the CHST3 protein (p.Pro105Ala). This variant is present in population databases (rs747226832, gnomAD 0.003%). This variant has not been reported in the literature in individuals affected with CHST3-related conditions. ClinVar contains an entry for this variant (Variation ID: 969495). Algorithms developed to predict the effect of missense changes on protein structure and function output the following: SIFT: "Tolerated"; PolyPhen-2: "Benign"; Align-GVGD: "Class C0". The alanine amino acid residue is found in multiple mammalian species, which suggests that this missense change does not adversely affect protein function. In summary, the available evidence is currently insufficient to determine the role of this variant in disease. Therefore, it has been classified as a Variant of Uncertain Significance.